The following is an entry in ClinVar:

ClinVar aggregate classification (germline): Uncertain significance (1 of 4 stars; one submission).

Conditions:
Hereditary cancer-predisposing syndrome. Also called: Tumor predisposition; Hereditary neoplastic syndrome; Hereditary Cancer Syndrome; Neoplastic Syndromes, Hereditary. Identifiers: Orphanet 140162, MedGen C0027672, MeSH D009386, MONDO:0015356.

Submission:

Ambry Genetics
Classification: Uncertain significance for Hereditary cancer-predisposing syndrome. Last evaluated: 2025-03-27. Review status: criteria provided, single submitter. Criteria: Ambry Variant Classification Scheme 2023. Collection method: clinical testing. Allele origin: germline.
Comment: The p.V1041I variant (also known as c.3121G>A), located in coding exon 26 of the TSC2 gene, results from a G to A substitution at nucleotide position 3121. The valine at codon 1041 is replaced by isoleucine, an amino acid with highly similar properties. This amino acid position is conserved. In addition, the in silico prediction for this alteration is inconclusive. Based on the available evidence, the clinical significance of this variant remains unclear.

NM_000548.5(TSC2):c.3121G>A (p.Val1041Ile)

Gene: TSC2 (TSC complex subunit 2; plus strand). Cytogenetic location: 16p13.3.
Variant type: single nucleotide variant.
Coding change: c.3121G>A on transcript NM_000548.5 (MANE Select); coding-DNA position 3121, G replaced by A.
Protein change: p.Val1041Ile; replaces valine 1041 with isoleucine.
Molecular consequence: missense variant. On other transcripts: non-coding transcript variant (5).
Genome position (GRCh38, 1-based): chr16:2,079,186, G>A. VCF-style: chr16-2079186-G-A. GRCh37 (hg19) VCF-style: chr16-2129187-G-A.
Other names: c.2389G>A, p.Val797Ile (NM_001406688.1, NM_001318831.2, NM_001406687.1); c.1777G>A, p.Val593Ile (NM_001406689.1); c.1648G>A, p.Val550Ile (NM_001406690.1, NM_001406692.1, NM_001406693.1 and 1 more transcripts); c.1645G>A, p.Val549Ile (NM_001406691.1, NM_001406695.1, NM_001406696.1 and 1 more transcripts); c.1387G>A, p.Val463Ile (NM_001406698.1); c.2992G>A, p.Val998Ile (NM_021055.3, NM_001363528.2, NM_001370405.1); c.2989G>A, p.Val997Ile (NM_001077183.3, NM_001370404.1, NM_001406665.1); c.3121G>A, p.Val1041Ile (NM_001114382.3); and 18 more; short protein forms V1008I, V1040I, V949I, V960I, V961I, V991I, V998I, V1027I.
Identifiers: ClinVar variation 3974633 (VCV003974633.1).